The following is an entry in ClinVar:

NM_006445.4(PRPF8):c.2921A>G (p.Asn974Ser)

Gene: PRPF8 (pre-mRNA processing factor 8; minus strand). Cytogenetic location: 17p13.3.
Variant type: single nucleotide variant.
Coding change: c.2921A>G on transcript NM_006445.4 (MANE Select); coding-DNA position 2921, A replaced by G.
Protein change: p.Asn974Ser; replaces asparagine 974 with serine.
Molecular consequence: missense variant.
Genome position (GRCh38, 1-based): chr17:1,675,291, T>C on the plus strand (A>G on the coding strand, the complement: PRPF8 is on the minus strand). VCF-style: chr17-1675291-T-C. GRCh37 (hg19) VCF-style: chr17-1578585-T-C.
Other names: short protein forms N974S.
Identifiers: ClinVar variation 1918783 (VCV001918783.6), dbSNP rs748498090, ClinGen allele CA8272010.

ClinVar aggregate classification (germline): Uncertain significance. Review status: criteria provided, multiple submitters, no conflicts (2 of 4 stars). 2 submissions from 2 submitters: Uncertain significance (2). Last evaluated 2024-01-09.

Allele frequency attached by ClinVar (database versions not stated): gnomAD 0.00001; gnomAD exomes 0.00001; TOPMed 0.00001; ExAC 0.00002.
gnomAD v4.1: 19 of 1,614,028 alleles (0.0012%); highest among the groups gnomAD compares: Non-Finnish European, 0.0016%; no homozygotes.

Submissions (2):

Blueprint Genetics
Classification: Uncertain significance. Last evaluated: 2024-01-09. Review status: criteria provided, single submitter. Criteria: ACMG Guidelines, 2015. Collection method: clinical testing. Allele origin: germline.

Labcorp Genetics (formerly Invitae), Labcorp
Classification: Uncertain significance. Last evaluated: 2023-11-19. Review status: criteria provided, single submitter. Criteria: Invitae Variant Classification Sherloc (09022015). Collection method: clinical testing. Allele origin: germline.
Comment: This sequence change replaces asparagine, which is neutral and polar, with serine, which is neutral and polar, at codon 974 of the PRPF8 protein (p.Asn974Ser). This variant is present in population databases (rs748498090, gnomAD 0.002%). This missense change has been observed in individual(s) with autosomal dominant retinitis pigmentosa (Invitae). ClinVar contains an entry for this variant (Variation ID: 1918783). Advanced modeling of protein sequence and biophysical properties (such as structural, functional, and spatial information, amino acid conservation, physicochemical variation, residue mobility, and thermodynamic stability) performed at Invitae indicates that this missense variant is not expected to disrupt PRPF8 protein function with a negative predictive value of 80%. In summary, the available evidence is currently insufficient to determine the role of this variant in disease. Therefore, it has been classified as a Variant of Uncertain Significance.